The following is an entry in ClinVar:

NM_001330078.2(NRXN1):c.2496A>G (p.Thr832=)

Gene: NRXN1 (neurexin 1; minus strand). Cytogenetic location: 2p16.3.
Variant type: single nucleotide variant.
Coding change: c.2496A>G on transcript NM_001330078.2 (MANE Select); coding-DNA position 2496, A replaced by G.
Protein change: p.Thr832=; no amino-acid change (threonine 832 retained).
Molecular consequence: synonymous variant.
Genome position (GRCh38, 1-based): chr2:50,506,496, T>C on the plus strand (A>G on the coding strand, the complement: NRXN1 is on the minus strand). VCF-style: chr2-50506496-T-C. GRCh37 (hg19) VCF-style: chr2-50733634-T-C.
Other names: c.2616A>G, p.Thr872= (NM_001135659.3); c.2472A>G, p.Thr824= (NM_001330077.2, NM_001330082.2); c.2430A>G, p.Thr810= (NM_001330083.2, NM_001330084.2); c.2469A>G, p.Thr823= (NM_001330085.2); c.2496A>G, p.Thr832= (NM_001330086.2, NM_004801.6); c.2385A>G, p.Thr795= (NM_001330087.2, NM_001330096.2); c.2415A>G, p.Thr805= (NM_001330088.2); c.2493A>G, p.Thr831= (NM_001330093.2); and 2 more.
Identifiers: ClinVar variation 2168940 (VCV002168940.4), dbSNP rs1418474369, ClinGen allele CA426024229.

ClinVar aggregate classification (germline): Uncertain significance (1 of 4 stars; one submission).

Conditions:
Pitt-Hopkins-like syndrome 2 (PTHSL2). Identifiers: Orphanet 221150, Orphanet 600663, MedGen C3280479, MONDO:0013690, OMIM 614325.

Allele frequency attached by ClinVar (database versions not stated): TOPMed below 0.00001; gnomAD exomes 0.00001.
gnomAD v4.1: 14 of 1,612,032 alleles (0.00087%); highest among the groups gnomAD compares: East Asian, 0.018%; no homozygotes.

Submission:

Labcorp Genetics (formerly Invitae), Labcorp
Classification: Uncertain significance for Pitt-Hopkins-like syndrome 2. Last evaluated: 2022-05-08. Review status: criteria provided, single submitter. Criteria: Invitae Variant Classification Sherloc (09022015). Collection method: clinical testing. Allele origin: germline.
Comment: In summary, the available evidence is currently insufficient to determine the role of this variant in disease. Therefore, it has been classified as a Variant of Uncertain Significance. Algorithms developed to predict the effect of sequence changes on RNA splicing suggest that this variant may disrupt the consensus splice site. This variant has not been reported in the literature in individuals affected with NRXN1-related conditions. The frequency data for this variant in the population databases is considered unreliable, as metrics indicate poor data quality at this position in the gnomAD database. This sequence change affects codon 872 of the NRXN1 mRNA. It is a 'silent' change, meaning that it does not change the encoded amino acid sequence of the NRXN1 protein. It affects a nucleotide within the consensus splice site.